The following is an entry in ClinVar:

NM_001042367.2(REC114):c.-4G>A

Gene: REC114 (REC114 meiotic recombination protein; plus strand). Cytogenetic location: 15q24.1.
Variant type: single nucleotide variant.
Coding change: c.-4G>A on transcript NM_001042367.2 (MANE Select); 4 bases upstream of the start codon, G replaced by A.
Molecular consequence: 5 prime UTR variant.
Genome position (GRCh38, 1-based): chr15:73,443,182, G>A. VCF-style: chr15-73443182-G-A. GRCh37 (hg19) VCF-style: chr15-73735523-G-A.
Other names: NC_000015.9:g.73735523G>A; c.-4G>A (NM_001348772.2).
Identifiers: ClinVar variation 3059656 (VCV003059656.3), dbSNP rs72741460, ClinGen allele CA7649531.
Genomic context (GRCh38, chr15:73,443,182, plus strand): 5'-TTACTGATTGGTTCGATGCCAGATTGGCAGGTCCCCGCCGGCAGTGCGTGTGGTGAGGCA[G>A]GACATGGCGGAGGCAGGAAAAGTGCCCTTGAGCCTCGGGCTTACCGGAGGAGAAGCGGCA-3'

ClinVar aggregate classification (germline): Benign (0 of 4 stars; one submission).

Conditions:
REC114-related disorder. Also called: REC114-related condition.

Allele frequency attached by ClinVar (database versions not stated): 1000 Genomes Project 30x 0.01733; 1000 Genomes Project 0.01757; ESP Exome Variant Server 0.02562; gnomAD 0.02790; TOPMed 0.03003; gnomAD exomes 0.03518; ExAC 0.05739.

Submissions (5):

PreventionGenetics, part of Exact Sciences
Classification: Benign for REC114-related condition. Last evaluated: 2019-04-30. Review status: no assertion criteria provided. Collection method: clinical testing. Allele origin: germline.
Comment: This variant is classified as benign based on ACMG/AMP sequence variant interpretation guidelines (Richards et al. 2015 PMID: 25741868, with internal and published modifications).

Dr. Peter K. Rogan Lab, Western University
No classification provided (evidence only). Condition: Acute myeloid leukemia. Review status: no classification provided. Collection method: in vitro. Allele origin: not applicable. Functional consequence: retained intron. Not counted in ClinVar's aggregate classification.

Dr. Peter K. Rogan Lab, Western University
No classification provided (evidence only). Condition: Acute myeloid leukemia. Review status: no classification provided. Collection method: in vitro. Allele origin: not applicable. Functional consequence: retained intron. Not counted in ClinVar's aggregate classification.

Dr. Peter K. Rogan Lab, Western University
No classification provided (evidence only). Condition: Thyroid cancer, nonmedullary, 1. Review status: no classification provided. Collection method: in vitro. Allele origin: not applicable. Functional consequence: retained intron. Not counted in ClinVar's aggregate classification.

Dr. Peter K. Rogan Lab, Western University
No classification provided (evidence only). Condition: Uterine corpus endometrial carcinoma. Review status: no classification provided. Collection method: in vitro. Allele origin: not applicable. Functional consequence: retained intron. Not counted in ClinVar's aggregate classification.